The following is an entry in ClinVar:

ClinVar aggregate classification (germline): Uncertain significance (1 of 4 stars; one submission).

Conditions:
Hereditary cancer-predisposing syndrome. Also called: Neoplastic Syndromes, Hereditary; Tumor predisposition; Hereditary neoplastic syndrome; Hereditary Cancer Syndrome. Identifiers: Orphanet 140162, MedGen C0027672, MeSH D009386, MONDO:0015356.

Submission:

Ambry Genetics
Classification: Uncertain significance for Hereditary cancer-predisposing syndrome. Last evaluated: 2024-03-30. Review status: criteria provided, single submitter. Criteria: Ambry Variant Classification Scheme 2023. Collection method: clinical testing. Allele origin: germline.
Comment: The p.Q148H variant (also known as c.444G>C), located in coding exon 1 of the AXIN2 gene, results from a G to C substitution at nucleotide position 444. The glutamine at codon 148 is replaced by histidine, an amino acid with highly similar properties. This amino acid position is conserved. In addition, this alteration is predicted to be tolerated by in silico analysis. Based on the available evidence, the clinical significance of this alteration remains unclear.

NM_004655.4(AXIN2):c.444G>C (p.Gln148His)

Gene: AXIN2 (axin 2; minus strand). Cytogenetic location: 17q24.1.
Variant type: single nucleotide variant.
Coding change: c.444G>C on transcript NM_004655.4 (MANE Select); coding-DNA position 444, G replaced by C.
Protein change: p.Gln148His; replaces glutamine 148 with histidine.
Molecular consequence: missense variant.
Genome position (GRCh38, 1-based): chr17:65,558,177, C>G on the plus strand (G>C on the coding strand, the complement: AXIN2 is on the minus strand). VCF-style: chr17-65558177-C-G. GRCh37 (hg19) VCF-style: chr17-63554295-C-G.
Other names: c.444G>C, p.Gln148His (NM_001363813.1); short protein forms Q148H.
Identifiers: ClinVar variation 3335511 (VCV003335511.1).
Genomic context (GRCh38, chr17:65,558,177, plus strand): 5'-GGAATCAATCTGCTGCTTCTTGATGCCATCTCTTATGTAGGTCTTGGTGGCAGGCTTCAG[C>G]TGCTTGGAGACAATGCTGTTGTTCTCAATGTACCTTTTGTAGATCGCTTTGGCTACTCGT-3'
Protein context (NP_004646.3, residues 138-158): YIENNSIVSK[Gln148His]LKPATKTYIR